The following is an entry in ClinVar:

NM_152618.3(BBS12):c.1049A>C (p.Gln350Pro)

Gene: BBS12 (Bardet-Biedl syndrome 12; plus strand). Cytogenetic location: 4q27.
Variant type: single nucleotide variant.
Coding change: c.1049A>C on transcript NM_152618.3 (MANE Select); coding-DNA position 1049, A replaced by C.
Protein change: p.Gln350Pro; replaces glutamine 350 with proline.
Molecular consequence: missense variant.
Genome position (GRCh38, 1-based): chr4:122,742,941, A>C. VCF-style: chr4-122742941-A-C. GRCh37 (hg19) VCF-style: chr4-123664096-A-C.
Other names: c.1049A>C, p.Gln350Pro (NM_001178007.2); short protein forms Q350P.
Identifiers: ClinVar variation 3354836 (VCV003354836.2).
Genomic context (GRCh38, chr4:122,742,941, plus strand): 5'-TTTGTCCAGGATATATCACTGTTGTGTCAGTATCTAATAATCCTGTGATCAAGGAATTGC[A>C]GAATCAGCCTGTGCGAATAGTTCTCATTGAGGGTGACCTCACAGAGAATTACCGCCACCT-3'
Protein context (NP_689831.2, residues 340-360): VSNNPVIKEL[Gln350Pro]NQPVRIVLIE

ClinVar aggregate classification (germline): Uncertain significance. Review status: criteria provided, single submitter (1 of 4 stars). 2 submissions from 2 submitters: Uncertain significance (1). 1 of the submissions does not count toward it. Last evaluated 2022-01-17.

Conditions:
BBS12-related disorder. Also called: BBS12-related condition.

gnomAD v4.1: 11 of 1,614,218 alleles (0.00068%); highest among the groups gnomAD compares: Non-Finnish European, 0.00076%; no homozygotes.

Submissions (2):

Blueprint Genetics
Classification: Uncertain significance. Last evaluated: 2022-01-17. Review status: criteria provided, single submitter. Criteria: ACMG Guidelines, 2015. Collection method: clinical testing. Allele origin: germline.

PreventionGenetics, part of Exact Sciences
Classification: Uncertain significance for BBS12-related condition. Last evaluated: 2024-04-30. Review status: no assertion criteria provided. Collection method: clinical testing. Allele origin: germline. Not counted in ClinVar's aggregate classification.
Comment: The BBS12 c.1049A>C variant is predicted to result in the amino acid substitution p.Gln350Pro. To our knowledge, this variant has not been reported in the literature or in a large population database, indicating this variant is rare. At this time, the clinical significance of this variant is uncertain due to the absence of conclusive functional and genetic evidence.